The following is an entry in ClinVar:

NM_030662.4(MAP2K2):c.183A>C (p.Lys61Asn)

Gene: MAP2K2 (mitogen-activated protein kinase kinase 2; minus strand). Cytogenetic location: 19p13.3.
Variant type: single nucleotide variant.
Coding change: c.183A>C on transcript NM_030662.4 (MANE Select); coding-DNA position 183, A replaced by C.
Protein change: p.Lys61Asn; replaces lysine 61 with asparagine.
Molecular consequence: missense variant.
Genome position (GRCh38, 1-based): chr19:4,117,539, T>G on the plus strand (A>C on the coding strand, the complement: MAP2K2 is on the minus strand). VCF-style: chr19-4117539-T-G. GRCh37 (hg19) VCF-style: chr19-4117537-T-G.
Other names: short protein forms K61N.
Identifiers: ClinVar variation 279998 (VCV000279998.11), dbSNP rs886041310, ClinGen allele CA10603449.

ClinVar aggregate classification (germline): Pathogenic/Likely pathogenic. Review status: criteria provided, multiple submitters, no conflicts (2 of 4 stars). 3 submissions from 3 submitters: Pathogenic (2); Likely pathogenic (1). Last evaluated 2022-12-16.

Conditions:
Cardiofaciocutaneous syndrome 4 (CFC4). Also called: MAP2K2-Related Cardiofaciocutaneous Syndrome. Identifiers: Orphanet 1340, MedGen C3809007, MONDO:0014114, OMIM 615280.
RASopathy. Also called: rasopathies; Noonan spectrum disorder. Identifiers: Orphanet 536391, MedGen C5555857, MONDO:0021060.

Submissions (3):

GeneDx
Classification: Likely pathogenic. Last evaluated: 2022-12-16. Review status: criteria provided, single submitter. Criteria: GeneDx Variant Classification Process June 2021. Collection method: clinical testing. Allele origin: germline. Affected: yes.
Comment: Missense variants in this gene are often considered pathogenic (HGMD); Not observed at significant frequency in large population cohorts (gnomAD); In silico analysis supports that this missense variant has a deleterious effect on protein structure/function; This variant is associated with the following publications: (PMID: 32901917, 25370473, 22753777, 19156172, 26399658, 22177953, 29493581)

Labcorp Genetics (formerly Invitae), Labcorp
Classification: Pathogenic for RASopathy. Last evaluated: 2022-09-01. Review status: criteria provided, single submitter. Criteria: Invitae Variant Classification Sherloc (09022015). Collection method: clinical testing. Allele origin: germline.
Comment: This variant is not present in population databases (gnomAD no frequency). This missense change has been observed in individual(s) with MAP2K2-related conditions (PMID: 32901917). In at least one individual the variant was observed to be de novo. ClinVar contains an entry for this variant (Variation ID: 279998). Advanced modeling of protein sequence and biophysical properties (such as structural, functional, and spatial information, amino acid conservation, physicochemical variation, residue mobility, and thermodynamic stability) performed at Invitae indicates that this missense variant is expected to disrupt MAP2K2 protein function. This variant disrupts the p.Lys61 amino acid residue in MAP2K2. Other variant(s) that disrupt this residue have been determined to be pathogenic (PMID: 17366577, 24719372, 25326637). This suggests that this residue is clinically significant, and that variants that disrupt this residue are likely to be disease-causing. For these reasons, this variant has been classified as Pathogenic. This sequence change replaces lysine, which is basic and polar, with asparagine, which is neutral and polar, at codon 61 of the MAP2K2 protein (p.Lys61Asn).

3billion
Classification: Pathogenic for Cardiofaciocutaneous syndrome 4. Last evaluated: 2021-10-02. Review status: criteria provided, single submitter. Criteria: ACMG Guidelines, 2015. Collection method: clinical testing. Allele origin: germline. Affected: yes. Observed: 1 heterozygote.
Comment: Same nucleotide change resulting in same amino acid change has been previously reported as pathogenic/likely pathogenic with supporting evidence (ClinVar ID: VCV000279998.2, PS1_P). The missense variant is located in a mutational hot spot and/or well-established functional domain in which established pathogenic variants have been reported (PM1). It is not observed in the gnomAD v2.1.1 dataset (PM2). A different missense change at the same codon (p.Lys61Glu) has been reported as pathogenic/likely pathogenic with strong evidence (ClinVar ID: VCV000040769.5, PMID: 25326637, PM5). The variant was observed as assumed (i.e. paternity and maternity not confirmed) de novoo (3billion dataset, PM6). In silico tool predictions suggest damaging effect of the variant on gene or gene product (REVEL: 0.653, 3Cnet: 0.951, PP3). Patient's phenotype is considered compatible with Cardiofaciocutaneous syndrome 4 (3billion dataset, PP4).Therefore, this variant is classified as pathogenic according to the recommendation of ACMG/AMP guideline.

Literature cited by the submitters: PubMed 32901917 (cited by Labcorp Genetics (formerly Invitae), Labcorp); PubMed 17366577 (cited by Labcorp Genetics (formerly Invitae), Labcorp); PubMed 24719372 (cited by Labcorp Genetics (formerly Invitae), Labcorp); PubMed 25326637 (cited by Labcorp Genetics (formerly Invitae), Labcorp and 3billion).